The following is an entry in ClinVar:

NM_022114.4(PRDM16):c.1549A>G (p.Ile517Val)

Gene: PRDM16 (PR/SET domain 16; plus strand). Cytogenetic location: 1p36.32.
Variant type: single nucleotide variant.
Coding change: c.1549A>G on transcript NM_022114.4 (MANE Select); coding-DNA position 1549, A replaced by G.
Protein change: p.Ile517Val; replaces isoleucine 517 with valine.
Molecular consequence: missense variant.
Genome position (GRCh38, 1-based): chr1:3,411,746, A>G. VCF-style: chr1-3411746-A-G. GRCh37 (hg19) VCF-style: chr1-3328310-A-G.
Other names: c.1549A>G (NM_022114.3); c.1549A>G, p.Ile517Val (NM_199454.3); short protein forms I517V.
Identifiers: ClinVar variation 1383090 (VCV001383090.11), dbSNP rs759740047, ClinGen allele CA544222.

ClinVar aggregate classification (germline): Uncertain significance. Review status: criteria provided, multiple submitters, no conflicts (2 of 4 stars). 3 submissions from 3 submitters: Uncertain significance (3). Last evaluated 2026-02-01.

Conditions:
PRDM16-related disorder. Also called: PRDM16-related condition.
Left ventricular noncompaction 8 (LVNC8). Identifiers: Orphanet 154, Orphanet 54260, MedGen C3809288, MONDO:0014152, OMIM 615373.

Allele frequency attached by ClinVar (database versions not stated): gnomAD 0.00001; TOPMed 0.00002.
gnomAD v4.1: 2 of 1,611,488 alleles (0.00012%); highest among the groups gnomAD compares: Admixed American, 0.0017%; no homozygotes.

Submissions (3):

CeGaT Center for Human Genetics Tuebingen
Classification: Uncertain significance. Last evaluated: 2026-02-01. Review status: criteria provided, single submitter. Criteria: CeGaT Center For Human Genetics Tuebingen Variant Classification Criteria Version 2. Collection method: clinical testing. Allele origin: germline. Affected: yes. Observed: 1 variant allele.
Comment: PRDM16: PM2

PreventionGenetics, part of Exact Sciences
Classification: Uncertain significance for PRDM16-related condition. Last evaluated: 2024-10-09. Review status: criteria provided, single submitter. Criteria: ACMG Guidelines, 2015. Collection method: clinical testing. Allele origin: germline.
Comment: The PRDM16 c.1549A>G variant is predicted to result in the amino acid substitution p.Ile517Val. To our knowledge, this variant has not been reported in the literature. This variant is reported in 0.0065% of alleles in individuals of African descent in gnomAD. At this time, the clinical significance of this variant is uncertain due to the absence of conclusive functional and genetic evidence.

Labcorp Genetics (formerly Invitae), Labcorp
Classification: Uncertain significance for Left ventricular noncompaction 8. Last evaluated: 2021-11-29. Review status: criteria provided, single submitter. Criteria: Invitae Variant Classification Sherloc (09022015). Collection method: clinical testing. Allele origin: germline.
Comment: This variant is present in population databases (rs759740047, gnomAD 0.007%). This sequence change replaces isoleucine, which is neutral and non-polar, with valine, which is neutral and non-polar, at codon 517 of the PRDM16 protein (p.Ile517Val). Algorithms developed to predict the effect of missense changes on protein structure and function output the following: SIFT: "Deleterious"; PolyPhen-2: "Benign"; Align-GVGD: "Class C0". The valine amino acid residue is found in multiple mammalian species, which suggests that this missense change does not adversely affect protein function. This variant has not been reported in the literature in individuals affected with PRDM16-related conditions. In summary, the available evidence is currently insufficient to determine the role of this variant in disease. Therefore, it has been classified as a Variant of Uncertain Significance.